The following is an entry in ClinVar:

NM_001267550.2(TTN):c.96477C>A (p.Cys32159Ter)

Genes: TTN (titin; minus strand), TTN-AS1 (TTN antisense RNA 1; plus strand), LOC126806421 (CDK7 strongly-dependent group 2 enhancer GRCh37_chr2:179407630-179408829; plus strand). Cytogenetic location: 2q31.2.
Variant type: single nucleotide variant.
Coding change: c.96477C>A on transcript NM_001267550.2 (MANE Select); coding-DNA position 96477, C replaced by A.
Protein change: p.Cys32159Ter; replaces cysteine 32159 with a stop codon.
Molecular consequence: nonsense.
Genome position (GRCh38, 1-based): chr2:178,543,496, G>T on the plus strand (C>A on the coding strand, the complement: TTN is on the minus strand). VCF-style: chr2-178543496-G-T. GRCh37 (hg19) VCF-style: chr2-179408223-G-T.
Other names: c.91554C>A, p.Cys30518Ter (NM_001256850.1); c.69282C>A, p.Cys23094Ter (NM_003319.4); c.88773C>A, p.Cys29591Ter (NM_133378.4); c.69657C>A, p.Cys23219Ter (NM_133432.3); c.69858C>A, p.Cys23286Ter (NM_133437.4); short protein forms C23094*, C29591*, C32159*, C23219*, C23286*, C30518*.
Identifiers: ClinVar variation 1756188 (VCV001756188.2), dbSNP rs2468932834, ClinGen allele CA349448194.
Genomic context (GRCh38, chr2:178,543,496, plus strand): 5'-CACTCTGAAATAGTACATGGTTCCTTCTACAAGTCCAGAAATTCTGTAAAGTGTCTTGCT[G>T]CATTTGGTAGTTACTGTTTTGAATGCTCTCATAGCAGCTTCACGCTTCTCAACGATGTAA-3'

ClinVar aggregate classification (germline): Likely pathogenic (1 of 4 stars; one submission).

Conditions:
Cardiovascular phenotype. Identifiers: MedGen CN230736.

Submission:

Ambry Genetics
Classification: Likely pathogenic for Cardiovascular phenotype. Last evaluated: 2021-12-29. Review status: criteria provided, single submitter. Criteria: Ambry Variant Classification Scheme 2023. Collection method: clinical testing. Allele origin: germline.
Comment: The p.C23094* variant (also known as c.69282C>A), located in coding exon 174 of the TTN gene, results from a C to A substitution at nucleotide position 69282. This changes the amino acid from a cysteine to a stop codon within coding exon 174. This exon is located in the A-band region of the N2-B isoform of the titin protein and is constitutively expressed in TTN transcripts (percent spliced in or PSI 100%). This alteration is expected to result in loss of function by premature protein truncation or nonsense-mediated mRNA decay. While truncating variants in TTN are present in 1-3% of the general population, truncating variants in the A-band are the most common cause of dilated cardiomyopathy (DCM) (Herman DS et al. N. Engl. J. Med., 2012 Feb;366:619-28; Roberts AM et al. Sci Transl Med, 2015 Jan;7:270ra6). TTN truncating variants encoded in constitutive exons (PSI >90%) have been found to be significantly associated with DCM regardless of their position in titin (Schafer S et al. Nat. Genet., 2017 01;49:46-53). As such, this alteration is classified as likely pathogenic.